The following is an entry in ClinVar:

NM_000219.6(KCNE1):c.124C>G (p.Leu42Val)

Gene: KCNE1 (potassium voltage-gated channel subfamily E regulatory subunit 1; minus strand). Cytogenetic location: 21q22.12.
Variant type: single nucleotide variant.
Coding change: c.124C>G on transcript NM_000219.6 (MANE Select); coding-DNA position 124, C replaced by G.
Protein change: p.Leu42Val; replaces leucine 42 with valine.
Molecular consequence: missense variant.
Genome position (GRCh38, 1-based): chr21:34,449,511, G>C on the plus strand (C>G on the coding strand, the complement: KCNE1 is on the minus strand). VCF-style: chr21-34449511-G-C. GRCh37 (hg19) VCF-style: chr21-35821809-G-C.
Other names: c.124C>G, p.Leu42Val (NM_001127668.4, NM_001127669.4, NM_001127670.4 and 4 more transcripts); short protein forms L42V.
Identifiers: ClinVar variation 3374108 (VCV003374108.2).
Genomic context (GRCh38, chr21:34,449,511, plus strand): 5'-TGATGCCCAGGGTGAAGAAGCCGAAGAATCCCAGTACCATGAGGACGTAGAGGGCCTCCA[G>C]CTTGCCGTCACTGCTGCGGGGGGACCTGCGGGCCAGGCCCGACATGTTGCCACCCTGCTG-3'
Protein context (NP_000210.2, residues 32-52): RRSPRSSDGK[Leu42Val]EALYVLMVLG

Conditions:
Long QT syndrome 5 (LQT5). Identifiers: Orphanet 101016, Orphanet 768, MedGen C1867904, MONDO:0013372, OMIM 613695.

Submission:

Roden Lab, Vanderbilt University Medical Center
No classification provided (evidence only). Condition: Long QT syndrome 5. Review status: no classification provided. Collection method: in vitro. Allele origin: not applicable. Functional consequence: Effect on ion channel function.
ClinVar note: "not provided" was previously submitted as the classification for the variant. However, the classification appeared to be based only on an observation of functional data so it was converted to no classification on 2025-07-30.